The following is an entry in ClinVar:

ClinVar aggregate classification (germline): Uncertain significance (1 of 4 stars; one submission).

Conditions:
Charcot-Marie-Tooth disease type 4. Also called: Charcot-Marie-Tooth disease, type IV; Charcot-Marie-Tooth, Type 4. Identifiers: Orphanet 64749, MedGen C4082197, MONDO:0018995.

Allele frequency attached by ClinVar (database versions not stated): TOPMed below 0.00001.

Submission:

Labcorp Genetics (formerly Invitae), Labcorp
Classification: Uncertain significance for Charcot-Marie-Tooth disease type 4. Last evaluated: 2025-10-13. Review status: criteria provided, single submitter. Criteria: Invitae Variant Classification Sherloc (09022015). Collection method: clinical testing. Allele origin: germline.
Comment: This sequence change creates a premature translational stop signal (p.Glu1430*) in the PRX gene. While this is not anticipated to result in nonsense mediated decay, it is expected to disrupt the last 32 amino acid(s) of the PRX protein. This variant is not present in population databases (gnomAD no frequency). This variant has not been reported in the literature in individuals affected with PRX-related conditions. ClinVar contains an entry for this variant (Variation ID: 1949111). In summary, the available evidence is currently insufficient to determine the role of this variant in disease. Therefore, it has been classified as a Variant of Uncertain Significance.

NM_181882.3(PRX):c.4288G>T (p.Glu1430Ter)

Gene: PRX (periaxin; minus strand). Cytogenetic location: 19q13.2.
Variant type: single nucleotide variant.
Coding change: c.4288G>T on transcript NM_181882.3 (MANE Select); coding-DNA position 4288, G replaced by T.
Protein change: p.Glu1430Ter; replaces glutamic acid 1430 with a stop codon.
Molecular consequence: nonsense. On other transcripts: 3 prime UTR variant (1).
Genome position (GRCh38, 1-based): chr19:40,394,064, C>A on the plus strand (G>T on the coding strand, the complement: PRX is on the minus strand). VCF-style: chr19-40394064-C-A. GRCh37 (hg19) VCF-style: chr19-40899971-C-A.
Other names: c.4573G>T, p.Glu1525Ter (NM_001411127.1); c.*4493G>T (NM_020956.2); short protein forms E1430*, E1525*.
Identifiers: ClinVar variation 1949111 (VCV001949111.5), dbSNP rs2079404031, ClinGen allele CA405889873.